The following is an entry in ClinVar:

ClinVar aggregate classification (germline): Uncertain significance (1 of 4 stars; one submission).

Submission:

Labcorp Genetics (formerly Invitae), Labcorp
Classification: Uncertain significance. Last evaluated: 2022-08-09. Review status: criteria provided, single submitter. Criteria: Invitae Variant Classification Sherloc (09022015). Collection method: clinical testing. Allele origin: germline.
Comment: ClinVar contains an entry for this variant (Variation ID: 1364818). In summary, the available evidence is currently insufficient to determine the role of this variant in disease. Therefore, it has been classified as a Variant of Uncertain Significance. Algorithms developed to predict the effect of sequence changes on RNA splicing suggest that this variant may create or strengthen a splice site. This variant has not been reported in the literature in individuals affected with CACNA1D-related conditions. This variant is not present in population databases (gnomAD no frequency). This sequence change creates a premature translational stop signal (p.Glu124Glyfs*12) in the CACNA1D gene. It is expected to result in an absent or disrupted protein product. However, the current clinical and genetic evidence is not sufficient to establish whether loss-of-function variants in CACNA1D cause disease.

NM_001128840.3(CACNA1D):c.370_371insGCTATACTATAAAAAGGAT (p.Glu124fs)

Gene: CACNA1D (calcium voltage-gated channel subunit alpha1 D; plus strand). Cytogenetic location: 3p21.1.
Variant type: Insertion.
Coding change: c.370_371insGCTATACTATAAAAAGGAT on transcript NM_001128840.3 (MANE Select); coding-DNA positions 370 to 371, GCTATACTATAAAAAGGAT inserted.
Protein change: p.Glu124fs; shifts the reading frame from glutamic acid 124.
Molecular consequence: frameshift variant.
Genome position: GRCh38 VCF-style: chr3-53497454-G-GGCTATACTATAAAAAGGAT. GRCh37 (hg19) VCF-style: chr3-53531481-G-GGCTATACTATAAAAAGGAT.
Other names: c.370_371insGCTATACTATAAAAAGGAT, p.Glu124fs (NM_000720.4, NM_001128839.3); short protein forms E124fs.
Identifiers: ClinVar variation 1364818 (VCV001364818.6), dbSNP rs2107073198, ClinGen allele CA2573137366.